The following is an entry in ClinVar:

ClinVar aggregate classification (germline): Likely benign (0 of 4 stars; one submission).

Conditions:
SNRPA-related disorder. Also called: SNRPA-related condition.

Submission:

PreventionGenetics, part of Exact Sciences
Classification: Likely benign for SNRPA-related condition. Last evaluated: 2019-04-30. Review status: no assertion criteria provided. Collection method: clinical testing. Allele origin: germline.
Comment: This variant is classified as likely benign based on ACMG/AMP sequence variant interpretation guidelines (Richards et al. 2015 PMID: 25741868, with internal and published modifications).

NM_004596.5(SNRPA):c.690-12_690-7del

Gene: SNRPA (small nuclear ribonucleoprotein polypeptide A; plus strand). Cytogenetic location: 19q13.2.
Variant type: Deletion.
Coding change: c.690-12_690-7del on transcript NM_004596.5 (MANE Select); 12 bases into the intron before coding-DNA position 690 through 7 bases into the intron before coding-DNA position 690, 6 bases deleted (GTTCTC; older notation c.690-12_690-7delGTTCTC).
Molecular consequence: intron variant.
Genome position (GRCh38, 1-based): chr19:40,764,996-40,765,001, GTTCTC deleted; deleting any 6 consecutive bases within chr19:40,764,994-40,765,001 gives the same sequence; the c. name uses the placement nearest the transcript's 3' end. VCF-style (leftmost placement, unchanged base first): chr19-40764993-GTCGTTC-G. GRCh37 (hg19) VCF-style: chr19-41270898-GTCGTTC-G.
Identifiers: ClinVar variation 3037916 (VCV003037916.2), dbSNP rs565642567, ClinGen allele CA9451649.